The following is an entry in ClinVar:

ClinVar aggregate classification (germline): Likely benign (1 of 4 stars; one submission).

Submission:

CeGaT Center for Human Genetics Tuebingen
Classification: Likely benign. Last evaluated: 2026-03-01. Review status: criteria provided, single submitter. Criteria: CeGaT Center For Human Genetics Tuebingen Variant Classification Criteria Version 2. Collection method: clinical testing. Allele origin: germline. Affected: yes. Observed: 1 variant allele.
Comment: FOXP4: BP4, BP7

NM_001012426.2(FOXP4):c.552G>A (p.Leu184=)

Gene: FOXP4 (forkhead box P4; plus strand). Cytogenetic location: 6p21.1.
Variant type: single nucleotide variant.
Coding change: c.552G>A on transcript NM_001012426.2 (MANE Select); coding-DNA position 552, G replaced by A.
Protein change: p.Leu184=; no amino-acid change (leucine 184 retained).
Molecular consequence: synonymous variant.
Genome position (GRCh38, 1-based): chr6:41,587,050, G>A. VCF-style: chr6-41587050-G-A. GRCh37 (hg19) VCF-style: chr6-41554788-G-A.
Other names: c.546G>A, p.Leu182= (NM_001012427.2); c.552G>A, p.Leu184= (NM_001405824.1, NM_138457.3); c.456G>A, p.Leu152= (NM_001405825.1, NM_001405826.1).
Identifiers: ClinVar variation 4823767 (VCV004823767.4).